The following is an entry in ClinVar:

ClinVar aggregate classification (germline): Uncertain significance (1 of 4 stars; one submission).

Submission:

Labcorp Genetics (formerly Invitae), Labcorp
Classification: Uncertain significance. Last evaluated: 2020-10-19. Review status: criteria provided, single submitter. Criteria: Invitae Variant Classification Sherloc (09022015). Collection method: clinical testing. Allele origin: germline.
Comment: Algorithms developed to predict the effect of sequence changes on RNA splicing suggest that this variant may create or strengthen a splice site, but this prediction has not been confirmed by published transcriptional studies. This sequence change replaces glycine with valine at codon 5101 of the ADGRV1 protein (p.Gly5101Val). The glycine residue is moderately conserved and there is a moderate physicochemical difference between glycine and valine. This variant is not present in population databases (ExAC no frequency). This variant has not been reported in the literature in individuals with ADGRV1-related conditions. Algorithms developed to predict the effect of missense changes on protein structure and function are either unavailable or do not agree on the potential impact of this missense change (SIFT: "Deleterious"; PolyPhen-2: "Benign"; Align-GVGD: "Class C0"). In summary, the available evidence is currently insufficient to determine the role of this variant in disease. Therefore, it has been classified as a Variant of Uncertain Significance.

NM_032119.4(ADGRV1):c.15302G>T (p.Gly5101Val)

Gene: ADGRV1 (adhesion G protein-coupled receptor V1; plus strand). Cytogenetic location: 5q14.3.
Variant type: single nucleotide variant.
Coding change: c.15302G>T on transcript NM_032119.4 (MANE Select); coding-DNA position 15302, G replaced by T.
Protein change: p.Gly5101Val; replaces glycine 5101 with valine.
Molecular consequence: missense variant. On other transcripts: non-coding transcript variant (1).
Genome position (GRCh38, 1-based): chr5:90,810,562, G>T. VCF-style: chr5-90810562-G-T. GRCh37 (hg19) VCF-style: chr5-90106379-G-T.
Other names: short protein forms G5101V.
Identifiers: ClinVar variation 1037526 (VCV001037526.8), dbSNP rs1762343888, ClinGen allele CA360408834.